The following is an entry in ClinVar:

ClinVar aggregate classification (germline): Conflicting classifications of pathogenicity. Review status: criteria provided, conflicting classifications (1 of 4 stars). 2 submissions from 2 submitters: Pathogenic (1); Uncertain significance (1). Last evaluated 2023-12-18.

Conditions:
Malignant hyperthermia, susceptibility to, 1 (MHS1). Also called: Anesthesia related hyperthermia; Malignant hyperpyrexia; Fulminating hyperpyrexia; Pharmacogenic myopathy; Malignant hyperthermia suceptibility 1; RYR1-Related Malignant Hyperthermia Susceptibility. Identifiers: Orphanet 423, MedGen C2930980, MONDO:0007783, OMIM 145600.

Submissions (2):

All of Us Research Program, National Institutes of Health
Classification: Uncertain significance for Malignant hyperthermia, susceptibility to, 1. Last evaluated: 2023-12-18. Review status: criteria provided, single submitter. Criteria: ACMG Guidelines, 2015. Collection method: clinical testing. Allele origin: germline. Inheritance: Autosomal dominant inheritance. Observed: 1 variant allele, 1 heterozygote.
Comment: This variant inserts 4 nucleotides in exon 90 of the RYR1 gene, creating a frameshift and premature translation stop signal. This variant is expected to result in an absent or non-functional protein product. To our knowledge, this variant has not been reported in individuals affected with RYR1-related disorders in the literature. This variant has not been identified in the general population by the Genome Aggregation Database (gnomAD). Loss of RYR1 function due to truncation variants is not an established disease mechanism for autosomal dominant malignant hyperthermia, although it is associated with other phenotype(s) (ClinVar variation ID: 1323548). Due to insufficient evidence, this variant is classified as a Variant of Uncertain Significance for autosomal dominant malignant hyperthermia.

This study involves interpretation of variants in research participants for the purpose of population health screening. Participant phenotype was not available at the time of variant classification. Additional details can be found in publication PMID: 35346344, PMCID: PMC8962531

Revvity Omics, Revvity
Classification: Pathogenic. Last evaluated: 2019-06-05. Review status: criteria provided, single submitter. Criteria: ACMG Guidelines, 2015. Collection method: clinical testing. Allele origin: germline.

NM_000540.3(RYR1):c.12526_12527insGCCT (p.Tyr4176fs)

Gene: RYR1 (ryanodine receptor 1; plus strand). Cytogenetic location: 19q13.2.
Variant type: Insertion.
Coding change: c.12526_12527insGCCT on transcript NM_000540.3 (MANE Select); coding-DNA positions 12526 to 12527, GCCT inserted.
Protein change: p.Tyr4176fs; shifts the reading frame from tyrosine 4176.
Molecular consequence: frameshift variant.
Genome position: GRCh38 VCF-style: chr19-38561353-C-CCCTG. GRCh37 (hg19) VCF-style: chr19-39051993-C-CCCTG.
Other names: c.12511_12512insGCCT, p.Tyr4171fs (NM_001042723.2); short protein forms Y4171fs, Y4176fs.
Identifiers: ClinVar variation 1323548 (VCV001323548.5), dbSNP rs2145831520, ClinGen allele CA2573054757.